The following is an entry in ClinVar:

ClinVar aggregate classification (germline): Uncertain significance. Review status: criteria provided, multiple submitters, no conflicts (2 of 4 stars). 2 submissions from 2 submitters: Uncertain significance (2). Last evaluated 2022-08-09.

Allele frequency attached by ClinVar (database versions not stated): ExAC 0.00001; gnomAD 0.00001; TOPMed 0.00001.
gnomAD v4.1: 7 of 1,614,080 alleles (0.00043%); highest among the groups gnomAD compares: Admixed American, 0.0083%; no homozygotes.

Submissions (2):

Labcorp Genetics (formerly Invitae), Labcorp
Classification: Uncertain significance. Last evaluated: 2022-08-09. Review status: criteria provided, single submitter. Criteria: Invitae Variant Classification Sherloc (09022015). Collection method: clinical testing. Allele origin: germline.
Comment: This variant has not been reported in the literature in individuals affected with DNAH9-related conditions. This variant is present in population databases (rs775095547, gnomAD 0.01%). This sequence change replaces threonine, which is neutral and polar, with methionine, which is neutral and non-polar, at codon 3384 of the DNAH9 protein (p.Thr3384Met). Algorithms developed to predict the effect of missense changes on protein structure and function are either unavailable or do not agree on the potential impact of this missense change (SIFT: "Deleterious"; PolyPhen-2: "Benign"; Align-GVGD: "Class C0"). In summary, the available evidence is currently insufficient to determine the role of this variant in disease. Therefore, it has been classified as a Variant of Uncertain Significance.

Blueprint Genetics
Classification: Uncertain significance. Last evaluated: 2022-04-12. Review status: criteria provided, single submitter. Criteria: ACMG Guidelines, 2015. Collection method: clinical testing. Allele origin: germline.

NM_001372.4(DNAH9):c.10151C>T (p.Thr3384Met)

Gene: DNAH9 (dynein axonemal heavy chain 9; plus strand). Cytogenetic location: 17p12.
Variant type: single nucleotide variant.
Coding change: c.10151C>T on transcript NM_001372.4 (MANE Select); coding-DNA position 10151, C replaced by T.
Protein change: p.Thr3384Met; replaces threonine 3384 with methionine.
Molecular consequence: missense variant.
Genome position (GRCh38, 1-based): chr17:11,871,695, C>T. VCF-style: chr17-11871695-C-T. GRCh37 (hg19) VCF-style: chr17-11775012-C-T.
Other names: short protein forms T3384M.
Identifiers: ClinVar variation 2195295 (VCV002195295.3), dbSNP rs775095547, ClinGen allele CA8397427.
Genomic context (GRCh38, chr17:11,871,695, plus strand): 5'-ATGCCGTGCAGAACTTCAAACAGCAGGAAAGGACGTTATGTGGAGACATTTTACTTATAA[C>T]GGCTTTCATTTCCTACCTTGGCTTCTTCACAAAGAAATACCGGCAGAGCCTCCTGGACAG-3'
Protein context (NP_001363.2, residues 3374-3394): RTLCGDILLI[Thr3384Met]AFISYLGFFT